The following is an entry in ClinVar:

ClinVar aggregate classification (germline): Conflicting classifications of pathogenicity. Review status: criteria provided, conflicting classifications (1 of 4 stars). 2 submissions from 2 submitters: Uncertain significance (1); Likely benign (1). Last evaluated 2024-03-28.

Conditions:
Hereditary cancer-predisposing syndrome. Also called: Hereditary neoplastic syndrome; Neoplastic Syndromes, Hereditary; Tumor predisposition; Hereditary Cancer Syndrome. Identifiers: Orphanet 140162, MedGen C0027672, MeSH D009386, MONDO:0015356.

Allele frequency attached by ClinVar (database versions not stated): gnomAD exomes below 0.00001 and 0.00001; gnomAD 0.00002; TOPMed 0.00003.
gnomAD v4.1: 23 of 1,613,680 alleles (0.0014%); highest among the groups gnomAD compares: Non-Finnish European, 0.0019%; no homozygotes.

Submissions (2):

Ambry Genetics
Classification: Likely benign for Hereditary cancer-predisposing syndrome. Last evaluated: 2024-03-28. Review status: criteria provided, single submitter. Criteria: Ambry Variant Classification Scheme 2023. Collection method: clinical testing. Allele origin: germline.

Labcorp Genetics (formerly Invitae), Labcorp
Classification: Uncertain significance for Hereditary cancer-predisposing syndrome. Last evaluated: 2023-05-09. Review status: criteria provided, single submitter. Criteria: Invitae Variant Classification Sherloc (09022015). Collection method: clinical testing. Allele origin: germline.
Comment: This variant is present in population databases (rs786202709, gnomAD 0.002%). This sequence change replaces threonine, which is neutral and polar, with alanine, which is neutral and non-polar, at codon 866 of the RAD50 protein (p.Thr866Ala). This variant has not been reported in the literature in individuals affected with RAD50-related conditions. In summary, the available evidence is currently insufficient to determine the role of this variant in disease. Therefore, it has been classified as a Variant of Uncertain Significance. Advanced modeling of protein sequence and biophysical properties (such as structural, functional, and spatial information, amino acid conservation, physicochemical variation, residue mobility, and thermodynamic stability) performed at Invitae indicates that this missense variant is not expected to disrupt RAD50 protein function. ClinVar contains an entry for this variant (Variation ID: 186121).

NM_005732.4(RAD50):c.2596A>G (p.Thr866Ala)

Gene: RAD50 (RAD50 double strand break repair protein; plus strand). Cytogenetic location: 5q31.1.
Variant type: single nucleotide variant.
Coding change: c.2596A>G on transcript NM_005732.4 (MANE Select); coding-DNA position 2596, A replaced by G.
Protein change: p.Thr866Ala; replaces threonine 866 with alanine.
Molecular consequence: missense variant.
Genome position (GRCh38, 1-based): chr5:132,604,877, A>G. VCF-style: chr5-132604877-A-G. GRCh37 (hg19) VCF-style: chr5-131940569-A-G.
Other names: short protein forms T866A.
Identifiers: ClinVar variation 186121 (VCV000186121.14), dbSNP rs786202709, ClinGen allele CA193914.